The following is an entry in ClinVar:

NM_033453.4(ITPA):c.442G>T (p.Asp148Tyr)

Gene: ITPA (inosine triphosphatase; plus strand). Cytogenetic location: 20p13.
Variant type: single nucleotide variant.
Coding change: c.442G>T on transcript NM_033453.4 (MANE Select); coding-DNA position 442, G replaced by T.
Protein change: p.Asp148Tyr; replaces aspartic acid 148 with tyrosine.
Molecular consequence: missense variant. On other transcripts: non-coding transcript variant (2), intron variant (1).
Genome position (GRCh38, 1-based): chr20:3,221,871, G>T. VCF-style: chr20-3221871-G-T. GRCh37 (hg19) VCF-style: chr20-3202517-G-T.
Other names: c.319G>T, p.Asp107Tyr (NM_001267623.2); c.105G>T, p.Arg35Ser (NM_001324236.2, NM_001324237.2, NM_001324238.2 and 1 more transcripts); c.391G>T, p.Asp131Tyr (NM_181493.4); c.411+3239G>T (NM_001324240.2); short protein forms D107Y, D131Y, D148Y, R35S.
Identifiers: ClinVar variation 1018636 (VCV001018636.8), dbSNP rs2067472764, ClinGen allele CA408080850.

ClinVar aggregate classification (germline): Uncertain significance (1 of 4 stars; one submission).

Conditions:
Inosine triphosphatase deficiency. Also called: INOSINE TRIPHOSPHATE PYROPHOSPHOHYDROLASE DEFICIENCY. Identifiers: MedGen C0342800, MONDO:0013461, OMIM 613850.

Allele frequency attached by ClinVar (database versions not stated): TOPMed below 0.00001.

Submission:

Labcorp Genetics (formerly Invitae), Labcorp
Classification: Uncertain significance for Inosine triphosphatase deficiency. Last evaluated: 2020-10-23. Review status: criteria provided, single submitter. Criteria: Invitae Variant Classification Sherloc (09022015). Collection method: clinical testing. Allele origin: germline.
Comment: This sequence change replaces aspartic acid with tyrosine at codon 148 of the ITPA protein (p.Asp148Tyr). The aspartic acid residue is highly conserved and there is a large physicochemical difference between aspartic acid and tyrosine. This variant is not present in population databases (ExAC no frequency). This variant has not been reported in the literature in individuals with ITPA-related conditions. Algorithms developed to predict the effect of missense changes on protein structure and function are either unavailable or do not agree on the potential impact of this missense change (SIFT: "Deleterious"; PolyPhen-2: "Possibly Damaging"; Align-GVGD: "Class C0"). In summary, the available evidence is currently insufficient to determine the role of this variant in disease. Therefore, it has been classified as a Variant of Uncertain Significance.